The following is an entry in ClinVar:

ClinVar aggregate classification (germline): Uncertain significance. Review status: criteria provided, multiple submitters, no conflicts (2 of 4 stars). 2 submissions from 2 submitters: Uncertain significance (2). Last evaluated 2025-02-20.

Conditions:
Peroxisome biogenesis disorder 2B (PBD2B). Identifiers: Orphanet 44, MedGen C3550234, MONDO:0008736, OMIM 202370.
Inborn genetic diseases. Identifiers: MedGen C0950123, MeSH D030342.

Allele frequency attached by ClinVar (database versions not stated): gnomAD exomes below 0.00001.
gnomAD v4.1: 1 of 1,613,972 alleles (0.000062%); highest among the groups gnomAD compares: South Asian, 0.0011%; no homozygotes.

Submissions (2):

Ambry Genetics
Classification: Uncertain significance for Inborn genetic diseases. Last evaluated: 2025-02-20. Review status: criteria provided, single submitter. Criteria: Ambry Variant Classification Scheme 2023. Collection method: clinical testing. Allele origin: germline.

Labcorp Genetics (formerly Invitae), Labcorp
Classification: Uncertain significance for Peroxisome biogenesis disorder 2B. Last evaluated: 2022-01-03. Review status: criteria provided, single submitter. Criteria: Invitae Variant Classification Sherloc (09022015). Collection method: clinical testing. Allele origin: germline.
Comment: This sequence change replaces methionine, which is neutral and non-polar, with threonine, which is neutral and polar, at codon 298 of the PEX5 protein (p.Met298Thr). This variant is present in population databases (no rsID available, gnomAD 0.003%). This variant has not been reported in the literature in individuals affected with PEX5-related conditions. Algorithms developed to predict the effect of missense changes on protein structure and function (SIFT, PolyPhen-2, Align-GVGD) all suggest that this variant is likely to be tolerated. In summary, the available evidence is currently insufficient to determine the role of this variant in disease. Therefore, it has been classified as a Variant of Uncertain Significance.

NM_001351132.2(PEX5):c.893T>C (p.Met298Thr)

Gene: PEX5 (peroxisomal biogenesis factor 5; plus strand). Cytogenetic location: 12p13.31.
Variant type: single nucleotide variant.
Coding change: c.893T>C on transcript NM_001351132.2 (MANE Select); coding-DNA position 893, T replaced by C.
Protein change: p.Met298Thr; replaces methionine 298 with threonine.
Molecular consequence: missense variant.
Genome position (GRCh38, 1-based): chr12:7,203,478, T>C. VCF-style: chr12-7203478-T-C. GRCh37 (hg19) VCF-style: chr12-7356074-T-C.
Other names: c.869T>C, p.Met290Thr (NM_000319.5); c.938T>C, p.Met313Thr (NM_001131023.2); c.782T>C, p.Met261Thr (NM_001131024.2, NM_001351124.3, NM_001351126.2 and 7 more transcripts); c.893T>C, p.Met298Thr (NM_001131025.2, NM_001131026.2, NM_001300789.3 and 5 more transcripts); c.827T>C, p.Met276Thr (NM_001351135.3, NM_001351138.2); c.758T>C, p.Met253Thr (NM_001351139.2, NM_001351140.2, NM_001374649.2); c.893T>C (NM_001131025.1); short protein forms M253T, M261T, M313T, M276T, M290T, M298T.
Identifiers: ClinVar variation 1978985 (VCV001978985.2), dbSNP rs1256218456, ClinGen allele CA383726695.
Genomic context (GRCh38, chr12:7,203,478, plus strand): 5'-TCCCTTCCTTACAGTCTGATGTCGATTTCTGGGACAAGTTGCAGGCAGAGTTGGAGGAGA[T>C]GGCAAAACGGGATGCTGAGGCCCACCCCTGGCTTTCTGACTATGATGACCTTACGTCAGC-3'
Protein context (NP_001338061.1, residues 288-308): WDKLQAELEE[Met298Thr]AKRDAEAHPW